The following is an entry in ClinVar:

ClinVar aggregate classification (germline): Uncertain significance (1 of 4 stars; one submission).

Allele frequency attached by ClinVar (database versions not stated): gnomAD exomes below 0.00001.

Submission:

Labcorp Genetics (formerly Invitae), Labcorp
Classification: Uncertain significance. Last evaluated: 2022-08-23. Review status: criteria provided, single submitter. Criteria: Invitae Variant Classification Sherloc (09022015). Collection method: clinical testing. Allele origin: germline.
Comment: In summary, the available evidence is currently insufficient to determine the role of this variant in disease. Therefore, it has been classified as a Variant of Uncertain Significance. Algorithms developed to predict the effect of missense changes on protein structure and function (SIFT, PolyPhen-2, Align-GVGD) all suggest that this variant is likely to be disruptive. ClinVar contains an entry for this variant (Variation ID: 1491103). This variant has not been reported in the literature in individuals affected with IFT43-related conditions. This variant is not present in population databases (gnomAD no frequency). This sequence change replaces leucine, which is neutral and non-polar, with glutamine, which is neutral and polar, at codon 184 of the IFT43 protein (p.Leu184Gln).

NM_001102564.3(IFT43):c.536T>A (p.Leu179Gln)

Gene: IFT43 (intraflagellar transport 43; plus strand). Cytogenetic location: 14q24.3.
Variant type: single nucleotide variant.
Coding change: c.536T>A on transcript NM_001102564.3 (MANE Select); coding-DNA position 536, T replaced by A.
Protein change: p.Leu179Gln; replaces leucine 179 with glutamine.
Molecular consequence: missense variant. On other transcripts: non-coding transcript variant (2).
Genome position (GRCh38, 1-based): chr14:76,083,486, T>A. VCF-style: chr14-76083486-T-A. GRCh37 (hg19) VCF-style: chr14-76549829-T-A.
Other names: c.551T>A, p.Leu184Gln (NM_052873.3); short protein forms L184Q, L179Q.
Identifiers: ClinVar variation 1491103 (VCV001491103.8), dbSNP rs2140102167, ClinGen allele CA390474711.